The following is an entry in ClinVar:

ClinVar aggregate classification (germline): Benign (1 of 4 stars; one submission).

Conditions:
Peutz-Jeghers syndrome (PJS). Also called: POLYPOSIS, HAMARTOMATOUS INTESTINAL; POLYPS-AND-SPOTS SYNDROME; Peutz-Jeghers polyposis; Periorificial lentiginosis syndrome. Identifiers: Orphanet 2869, MedGen C0031269, MeSH D010580, MONDO:0008280, OMIM 175200.

gnomAD v4.1: 1 of 1,606,506 alleles (0.000062%); no homozygotes.

Submission:

Myriad Genetics, Inc.
Classification: Benign for Peutz-Jeghers syndrome. Last evaluated: 2025-03-26. Review status: criteria provided, single submitter. Criteria: Myriad Autosomal Dominant, Autosomal Recessive and X-Linked Classification Criteria (2023). Collection method: clinical testing. Allele origin: unknown.
Comment: This variant is considered benign. This variant is a silent/synonymous amino acid change and it is not expected to impact splicing.

NM_000455.5(STK11):c.573A>G (p.Lys191=)

Gene: STK11 (serine/threonine kinase 11; plus strand). Cytogenetic location: 19p13.3.
Variant type: single nucleotide variant.
Coding change: c.573A>G on transcript NM_000455.5 (MANE Select); coding-DNA position 573, A replaced by G.
Protein change: p.Lys191=; no amino-acid change (lysine 191 retained).
Molecular consequence: synonymous variant. On other transcripts: non-coding transcript variant (1).
Genome position (GRCh38, 1-based): chr19:1,220,481, A>G. VCF-style: chr19-1220481-A-G. GRCh37 (hg19) VCF-style: chr19-1220480-A-G.
Other names: c.573A>G, p.Lys191= (NM_001407255.1).
Identifiers: ClinVar variation 3903724 (VCV003903724.1).